The following is an entry in ClinVar:

NM_000256.3(MYBPC3):c.2245del (p.Tyr749fs)

Gene: MYBPC3 (myosin binding protein C3; minus strand). Cytogenetic location: 11p11.2.
Variant type: Deletion.
Coding change: c.2245del on transcript NM_000256.3 (MANE Select); coding-DNA position 2245, one base deleted (T; older notation c.2245delT).
Protein change: p.Tyr749fs; shifts the reading frame from tyrosine 749.
Molecular consequence: frameshift variant.
Genome position (GRCh38, 1-based): chr11:47,338,583, A deleted on the plus strand (T on the coding strand, the reverse complement: MYBPC3 is on the minus strand). VCF-style (leftmost placement, unchanged base first): chr11-47338582-TA-T. GRCh37 (hg19) VCF-style: chr11-47360133-TA-T.
Other names: short protein forms Y749fs.
Identifiers: ClinVar variation 4738583 (VCV004738583.1).
Genomic context (GRCh38, chr11:47,338,582, plus strand): 5'-ATGACCTTGACTGTGAGGTTGACCTGGTCCTCGCCCACAGGGTTCTTCACTGTGACCGTG[TA>T]GACGCCCTCATCTTCCTTCTCTGCCCCCTCGACCGTGAAGATGCTGCGGTCCTTGGTGGT-3'

ClinVar aggregate classification (germline): Pathogenic (1 of 4 stars; one submission).

Conditions:
Hypertrophic cardiomyopathy. Also called: HYPERTROPHIC MYOCARDIOPATHY. Identifiers: Orphanet 217569, MedGen C0007194, MeSH D002312, MONDO:0005045, HP:0001639.

Submission:

Labcorp Genetics (formerly Invitae), Labcorp
Classification: Pathogenic for Hypertrophic cardiomyopathy. Last evaluated: 2025-03-03. Review status: criteria provided, single submitter. Criteria: Invitae Variant Classification Sherloc (09022015). Collection method: clinical testing. Allele origin: germline.
Comment: This sequence change creates a premature translational stop signal (p.Tyr749Thrfs*5) in the MYBPC3 gene. It is expected to result in an absent or disrupted protein product. Loss-of-function variants in MYBPC3 are known to be pathogenic (PMID: 19574547). This variant is not present in population databases (gnomAD no frequency). This variant has not been reported in the literature in individuals affected with MYBPC3-related conditions. Algorithms developed to predict the effect of sequence changes on RNA splicing suggest that this variant may disrupt the consensus splice site. For these reasons, this variant has been classified as Pathogenic.

Literature cited by the submitters: PubMed 19574547.